The following is an entry in ClinVar:

ClinVar aggregate classification (germline): Pathogenic (1 of 4 stars; one submission).

Conditions:
Cardiovascular phenotype. Identifiers: MedGen CN230736.

Submission:

Ambry Genetics
Classification: Pathogenic for Cardiovascular phenotype. Last evaluated: 2026-08-28. Review status: criteria provided, single submitter. Criteria: Ambry Variant Classification Scheme 2023. Collection method: clinical testing. Allele origin: germline.
Comment: The c.3148delG pathogenic mutation, located in coding exon 23 of the DSP gene, results from a deletion of one nucleotide at nucleotide position 3148, causing a translational frameshift with a predicted alternate stop codon (p.E1050Kfs*33). This variant is considered to be rare based on population cohorts in the Genome Aggregation Database (gnomAD). This alteration is expected to result in loss of function by premature protein truncation or nonsense-mediated mRNA decay. As such, this alteration is interpreted as a disease-causing mutation.

NM_004415.4(DSP):c.3148del (p.Glu1050fs)

Gene: DSP (desmoplakin; plus strand). Cytogenetic location: 6p24.3.
Variant type: Deletion.
Coding change: c.3148del on transcript NM_004415.4 (MANE Select); coding-DNA position 3148, one base deleted (G; older notation c.3148delG).
Protein change: p.Glu1050fs; shifts the reading frame from glutamic acid 1050.
Molecular consequence: frameshift variant.
Genome position (GRCh38, 1-based): chr6:7,579,338, G deleted; the last of 2 consecutive G bases (chr6:7,579,337-7,579,338); deleting either gives the same sequence. VCF-style (leftmost placement, unchanged base first): chr6-7579336-CG-C. GRCh37 (hg19) VCF-style: chr6-7579569-CG-C.
Other names: c.3148del, p.Glu1050fs (NM_001008844.3, NM_001319034.2); short protein forms E1050fs.
Identifiers: ClinVar variation 5035666 (VCV005035666.1).